The following is an entry in ClinVar:

NM_138459.5(NUS1):c.719T>G (p.Leu240Ter)

Gene: NUS1 (NUS1 dehydrodolichyl diphosphate synthase subunit; plus strand). Cytogenetic location: 6q22.1.
Variant type: single nucleotide variant.
Coding change: c.719T>G on transcript NM_138459.5 (MANE Select); coding-DNA position 719, T replaced by G.
Protein change: p.Leu240Ter; replaces leucine 240 with a stop codon.
Molecular consequence: nonsense.
Genome position (GRCh38, 1-based): chr6:117,703,632, T>G. VCF-style: chr6-117703632-T-G. GRCh37 (hg19) VCF-style: chr6-118024795-T-G.
Other names: short protein forms L240*.
Identifiers: ClinVar variation 1357547 (VCV001357547.7), dbSNP rs2114693896, ClinGen allele CA365537309.

ClinVar aggregate classification (germline): Pathogenic/Likely pathogenic. Review status: criteria provided, multiple submitters, no conflicts (2 of 4 stars). 2 submissions from 2 submitters: Pathogenic (1); Likely pathogenic (1). Last evaluated 2024-11-01.

Conditions:
Congenital disorder of glycosylation, type Iaa. Also called: Congenital disorder of glycosylation, type 1aa. Identifiers: MedGen C4310727, MONDO:0014904, OMIM 617082.
Intellectual developmental disorder, autosomal dominant 55, with seizures. Also called: MENTAL RETARDATION, AUTOSOMAL DOMINANT 55, WITH SEIZURES; Intellectual disability, autosomal dominant 55, with seizures. Identifiers: MedGen C4693371, MONDO:0030921, OMIM 617831.

Submissions (2):

3billion
Classification: Likely pathogenic for Intellectual developmental disorder, autosomal dominant 55, with seizures. Last evaluated: 2024-11-01. Review status: criteria provided, single submitter. Criteria: ACMG Guidelines, 2015. Collection method: clinical testing. Allele origin: germline. Affected: yes.
Comment: The variant is not observed in the gnomAD v4.1.0 dataset. Predicted Consequence/Location: Stop-gained (nonsense): predicted to result in a loss or disruption of normal protein function through nonsense-mediated decay (NMD) or protein truncation. Multiple pathogenic variants are reported downstream of the variant. The variant has been reported to be associated with NUS1 related disorder (ClinVar ID: VCV001357547 /PMID: 35949226). Therefore, this variant is classified as Likely pathogenic according to the recommendation of ACMG/AMP guideline.

Labcorp Genetics (formerly Invitae), Labcorp
Classification: Pathogenic for Congenital disorder of glycosylation, type Iaa. Last evaluated: 2023-11-28. Review status: criteria provided, single submitter. Criteria: Invitae Variant Classification Sherloc (09022015). Collection method: clinical testing. Allele origin: germline.
Comment: This sequence change creates a premature translational stop signal (p.Leu240*) in the NUS1 gene. It is expected to result in an absent or disrupted protein product. Loss-of-function variants in NUS1 are known to be pathogenic (PMID: 29100083). This variant is not present in population databases (gnomAD no frequency). This variant has not been reported in the literature in individuals affected with NUS1-related conditions. ClinVar contains an entry for this variant (Variation ID: 1357547). For these reasons, this variant has been classified as Pathogenic.

Literature cited by the submitters: PubMed 35949226 (cited by 3billion); PubMed 29100083 (cited by Labcorp Genetics (formerly Invitae), Labcorp).